The following is an entry in ClinVar:

NM_032119.4(ADGRV1):c.10882C>T (p.Pro3628Ser)

Gene: ADGRV1 (adhesion G protein-coupled receptor V1; plus strand). Cytogenetic location: 5q14.3.
Variant type: single nucleotide variant.
Coding change: c.10882C>T on transcript NM_032119.4 (MANE Select); coding-DNA position 10882, C replaced by T.
Protein change: p.Pro3628Ser; replaces proline 3628 with serine.
Molecular consequence: missense variant. On other transcripts: non-coding transcript variant (1).
Genome position (GRCh38, 1-based): chr5:90,745,703, C>T. VCF-style: chr5-90745703-C-T. GRCh37 (hg19) VCF-style: chr5-90041520-C-T.
Other names: short protein forms P3628S.
Identifiers: ClinVar variation 617967 (VCV000617967.17), dbSNP rs564470089, ClinGen allele CA122816113.

ClinVar aggregate classification (germline): Uncertain significance. Review status: criteria provided, multiple submitters, no conflicts (2 of 4 stars). 3 submissions from 3 submitters: Uncertain significance (3). Last evaluated 2023-07-21.

Allele frequency attached by ClinVar (database versions not stated): gnomAD exomes below 0.00001; 1000 Genomes Project 30x 0.00031; gnomAD 0.00001; TOPMed 0.00003; 1000 Genomes Project 0.00020.
gnomAD v4.1: 3 of 1,611,764 alleles (0.00019%); highest among the groups gnomAD compares: East Asian, 0.0022%; no homozygotes.

Submissions (3):

Labcorp Genetics (formerly Invitae), Labcorp
Classification: Uncertain significance. Last evaluated: 2023-07-21. Review status: criteria provided, single submitter. Criteria: Invitae Variant Classification Sherloc (09022015). Collection method: clinical testing. Allele origin: germline.
Comment: Advanced modeling of protein sequence and biophysical properties (such as structural, functional, and spatial information, amino acid conservation, physicochemical variation, residue mobility, and thermodynamic stability) performed at Invitae indicates that this missense variant is not expected to disrupt ADGRV1 protein function. ClinVar contains an entry for this variant (Variation ID: 617967). This variant has not been reported in the literature in individuals affected with ADGRV1-related conditions. This variant is present in population databases (rs564470089, gnomAD 0.003%). This sequence change replaces proline, which is neutral and non-polar, with serine, which is neutral and polar, at codon 3628 of the ADGRV1 protein (p.Pro3628Ser). In summary, the available evidence is currently insufficient to determine the role of this variant in disease. Therefore, it has been classified as a Variant of Uncertain Significance.

Athena Diagnostics
Classification: Uncertain significance. Last evaluated: 2019-02-26. Review status: criteria provided, single submitter. Criteria: Athena Diagnostics Criteria. Collection method: clinical testing. Allele origin: germline.

ARUP Laboratories, Molecular Genetics and Genomics, ARUP Laboratories
Classification: Uncertain significance. Last evaluated: 2017-09-16. Review status: criteria provided, single submitter. Criteria: ARUP Molecular Germline Variant Investigation Process. Collection method: clinical testing. Allele origin: germline.
Comment: The p.Pro3628Ser variant (rs564470089) has not been reported in the medical literature, and is found in a single chromosome in the Genome Aggregation Database (gnomAD) (out of 245,416 chromosomes). The proline at codon 3628 is highly conserved considering 12 species up to Zebrafish (Alamut software v2.9.0), and computational analyses suggest that this variant affects the ADGRV1 protein structure/function (SIFT: damaging, PolyPhen2: probably damaging, MutationTaster: disease causing). However, the available information is insufficient to determine the clinical significance of the p.Pro3628Ser variant with certainty.